The following is an entry in ClinVar:

ClinVar aggregate classification (germline): Benign (0 of 4 stars; one submission).

Conditions:
CFAP43-related disorder. Also called: CFAP43-related condition.

Allele frequency attached by ClinVar (database versions not stated): ESP Exome Variant Server 0.04923; gnomAD 0.05075; TOPMed 0.05145; gnomAD exomes 0.05729; ExAC 0.06567; 1000 Genomes Project 0.07668; 1000 Genomes Project 30x 0.07730.
gnomAD v4.1: 91,348 of 1,602,310 alleles (5.7%); highest among the groups gnomAD compares: South Asian, 13%; 3,252 homozygotes.

Submission:

PreventionGenetics, part of Exact Sciences
Classification: Benign for CFAP43-related condition. Last evaluated: 2019-07-17. Review status: no assertion criteria provided. Collection method: clinical testing. Allele origin: germline.
Comment: This variant is classified as benign based on ACMG/AMP sequence variant interpretation guidelines (Richards et al. 2015 PMID: 25741868, with internal and published modifications).

NM_025145.7(CFAP43):c.972T>C (p.Phe324=)

Gene: CFAP43 (cilia and flagella associated protein 43; minus strand). Cytogenetic location: 10q25.1.
Variant type: single nucleotide variant.
Coding change: c.972T>C on transcript NM_025145.7 (MANE Select); coding-DNA position 972, T replaced by C.
Protein change: p.Phe324=; no amino-acid change (phenylalanine 324 retained).
Molecular consequence: synonymous variant.
Genome position (GRCh38, 1-based): chr10:104,203,795, A>G on the plus strand (T>C on the coding strand, the complement: CFAP43 is on the minus strand). VCF-style: chr10-104203795-A-G. GRCh37 (hg19) VCF-style: chr10-105963553-A-G.
Identifiers: ClinVar variation 3060048 (VCV003060048.2), dbSNP rs11191947, ClinGen allele CA5681056.